The following is an entry in ClinVar:

ClinVar aggregate classification (germline): Uncertain significance (1 of 4 stars; one submission).

Conditions:
AIFM1-related disorder. Also called: AIFM1-related condition.

gnomAD v4.1: 34 of 1,209,844 alleles (0.0028%); highest among the groups gnomAD compares: Non-Finnish European, 0.0038%; no homozygotes.

Submission:

PreventionGenetics, part of Exact Sciences
Classification: Uncertain significance for AIFM1-related condition. Last evaluated: 2025-07-09. Review status: criteria provided, single submitter. Criteria: ACMG Guidelines, 2015. Collection method: clinical testing. Allele origin: germline.
Comment: The AIFM1 c.236A>G variant is predicted to result in the amino acid substitution p.Tyr79Cys. To our knowledge, this variant has not been reported in the literature. This variant is reported in 0.0012% of alleles in individuals of European (Non-Finnish) descent in gnomAD. At this time, the clinical significance of this variant is uncertain due to the absence of conclusive functional and genetic evidence.

NM_004208.4(AIFM1):c.249+1304A>G

Genes: AIFM1 (apoptosis inducing factor mitochondria associated 1; minus strand), RAB33A (RAB33A, member RAS oncogene family; plus strand). Cytogenetic location: Xq26.1.
Variant type: single nucleotide variant.
Coding change: c.249+1304A>G on transcript NM_004208.4 (MANE Select); 1304 bases into the intron after coding-DNA position 249, A replaced by G.
Molecular consequence: intron variant. On other transcripts: missense variant (1).
Genome position (GRCh38, 1-based): chrX:130,155,157, T>C on the plus strand (A>G on the coding strand, the complement: AIFM1 is on the minus strand). VCF-style: chrX-130155157-T-C. GRCh37 (hg19) VCF-style: chrX-129289132-T-C.
Other names: c.236A>G, p.Tyr79Cys (NM_145812.3); c.249+1304A>G (NM_001130847.4); short protein forms Y79C.
Identifiers: ClinVar variation 4988595 (VCV004988595.1).
Genomic context (GRCh38, chrX:130,155,157, plus strand): 5'-ATTAGTGCCATGGGCTCACCCACCCTACCCCAAAATATGTTTTAGTGTAAGCATCTTACA[T>C]AATAAACTCCTGCCCCAGTGACTGTTGCTCCTACAATTAAGAAGTACACTAGGTTGCTGC-3'